The following is an entry in ClinVar:

ClinVar aggregate classification (germline): Uncertain significance (1 of 4 stars; one submission).

Submission:

GeneDx
Classification: Uncertain significance. Last evaluated: 2022-11-07. Review status: criteria provided, single submitter. Criteria: GeneDx Variant Classification Process June 2021. Collection method: clinical testing. Allele origin: germline. Affected: yes.
Comment: Intronic +5 splice site variant in a gene for which loss of function is a known mechanism of disease, and both splice predictors and evolutionary conservation support a deleterious effect, although in the absence of functional evidence the actual effect of this sequence change is unknown.; Not observed at significant frequency in large population cohorts (gnomAD); Has not been previously published as pathogenic or benign to our knowledge

NM_001276345.2(TNNT2):c.41+3_41+6del

Gene: TNNT2 (troponin T2, cardiac type; minus strand). Cytogenetic location: 1q32.1.
Variant type: Microsatellite.
Coding change: c.41+3_41+6del on transcript NM_001276345.2 (MANE Select); bases 3 to 6 of the intron after coding-DNA position 41, 4 bases deleted (GAGT; older notation c.41+3_41+6delGAGT).
Molecular consequence: splice donor variant.
Genome position (GRCh38, 1-based): chr1:201,373,208-201,373,211, ACTC deleted on the plus strand (GAGT on the coding strand, the reverse complement: TNNT2 is on the minus strand); deleting any 4 consecutive bases within chr1:201,373,208-201,373,215 gives the same sequence; the c. name uses the placement nearest the transcript's 3' end. VCF-style (leftmost placement, unchanged base first): chr1-201373207-TACTC-T. GRCh37 (hg19) VCF-style: chr1-201342335-TACTC-T.
Other names: c.41+3_41+6del (NM_001406727.1, NM_001406724.1, NM_001001432.3 and 9 more transcripts).
Identifiers: ClinVar variation 2501582 (VCV002501582.1), dbSNP rs1425237593, ClinGen allele CA730092684.